The following is an entry in ClinVar:

NM_006509.4(RELB):c.919C>T (p.Arg307Ter)

Gene: RELB (RELB proto-oncogene, NF-kB subunit; plus strand). Cytogenetic location: 19q13.32.
Variant type: single nucleotide variant.
Coding change: c.919C>T on transcript NM_006509.4 (MANE Select); coding-DNA position 919, C replaced by T.
Protein change: p.Arg307Ter; replaces arginine 307 with a stop codon.
Molecular consequence: nonsense.
Genome position (GRCh38, 1-based): chr19:45,028,920, C>T. VCF-style: chr19-45028920-C-T. GRCh37 (hg19) VCF-style: chr19-45532178-C-T.
Other names: short protein forms R307*.
Identifiers: ClinVar variation 973569 (VCV000973569.2), dbSNP rs1971589003, ClinGen allele CA406302581.

ClinVar aggregate classification (germline): Conflicting classifications of pathogenicity. Review status: criteria provided, conflicting classifications (1 of 4 stars). 2 submissions from 2 submitters: Likely pathogenic (1); Uncertain significance (1). Last evaluated 2025-08-18.

Conditions:
Immunodeficiency 53. Identifiers: Orphanet 688594, MedGen C4539811, MONDO:0054696, OMIM 617585.

Submissions (2):

Labcorp Genetics (formerly Invitae), Labcorp
Classification: Uncertain significance. Last evaluated: 2025-08-18. Review status: criteria provided, single submitter. Criteria: Invitae Variant Classification Sherloc (09022015). Collection method: clinical testing. Allele origin: germline.
Comment: This sequence change creates a premature translational stop signal (p.Arg307*) in the RELB gene. It is expected to result in an absent or disrupted protein product. However, the current clinical and genetic evidence is not sufficient to establish whether loss-of-function variants in RELB cause disease. This variant is not present in population databases (gnomAD no frequency). This variant has not been reported in the literature in individuals affected with RELB-related conditions. ClinVar contains an entry for this variant (Variation ID: 973569). In summary, the available evidence is currently insufficient to determine the role of this variant in disease. Therefore, it has been classified as a Variant of Uncertain Significance.

CENTOGENE GmbH and LLC - Guiding Precision Medicine
Classification: Likely pathogenic for Immunodeficiency type 53. Review status: criteria provided, single submitter. Criteria: ACMG Guidelines, 2015. Collection method: clinical testing. Allele origin: germline. Affected: yes.